The following is an entry in ClinVar:

ClinVar aggregate classification (germline): Likely benign. Review status: criteria provided, multiple submitters, no conflicts (2 of 4 stars). 3 submissions from 3 submitters: Likely benign (3). Last evaluated 2025-02-24.

Conditions:
Breast-ovarian cancer, familial, susceptibility to, 4. Identifiers: Orphanet 145, MedGen C3280345, MONDO:0013669, OMIM 614291.

Allele frequency attached by ClinVar (database versions not stated): TOPMed below 0.00001; gnomAD 0.00001.
gnomAD v4.1: 1 of 1,613,724 alleles (0.000062%); highest among the groups gnomAD compares: Non-Finnish European, 0.000085%; no homozygotes.

Submissions (3):

Myriad Genetics, Inc.
Classification: Likely benign for Breast-ovarian cancer, familial, susceptibility to, 4. Last evaluated: 2025-02-24. Review status: criteria provided, single submitter. Criteria: Myriad Autosomal Dominant, Autosomal Recessive and X-Linked Classification Criteria (2023). Collection method: clinical testing. Allele origin: unknown.
Comment: This variant is considered likely benign. This variant is intronic and is not expected to impact mRNA splicing.

Labcorp Genetics (formerly Invitae), Labcorp
Classification: Likely benign for Breast-ovarian cancer, familial, susceptibility to, 4. Last evaluated: 2025-01-20. Review status: criteria provided, single submitter. Criteria: Invitae Variant Classification Sherloc (09022015). Collection method: clinical testing. Allele origin: germline.

GeneDx
Classification: Likely benign. Last evaluated: 2017-02-08. Review status: criteria provided, single submitter. Criteria: GeneDx Variant Classification (06012015). Collection method: clinical testing. Allele origin: germline. Affected: yes.
Comment: This variant is considered likely benign or benign based on one or more of the following criteria: it is a conservative change, it occurs at a poorly conserved position in the protein, it is predicted to be benign by multiple in silico algorithms, and/or has population frequency not consistent with disease.

NM_002878.4(RAD51D):c.667+8A>T

Genes: RAD51D (RAD51 paralog D; minus strand), RAD51L3-RFFL (RAD51L3-RFFL readthrough; minus strand). Cytogenetic location: 17q12.
Variant type: single nucleotide variant.
Coding change: c.667+8A>T on transcript NM_002878.4 (MANE Select); 8 bases into the intron after coding-DNA position 667, A replaced by T.
Molecular consequence: intron variant.
Genome position (GRCh38, 1-based): chr17:35,103,446, T>A on the plus strand (A>T on the coding strand, the complement: RAD51D is on the minus strand). VCF-style: chr17-35103446-T-A. GRCh37 (hg19) VCF-style: chr17-33430465-T-A.
Other names: c.331+8A>T (NM_133629.3); c.727+8A>T (NM_001142571.2).
Identifiers: ClinVar variation 517722 (VCV000517722.5), dbSNP rs941079937, ClinGen allele CA289994301.